The following is an entry in ClinVar:

NM_007194.4(CHEK2):c.471del (p.Ile157fs)

Gene: CHEK2 (checkpoint kinase 2; minus strand). Cytogenetic location: 22q12.1.
Variant type: Deletion.
Coding change: c.471del on transcript NM_007194.4 (MANE Select); coding-DNA position 471, one base deleted (T; older notation c.471delT).
Protein change: p.Ile157fs; shifts the reading frame from isoleucine 157.
Molecular consequence: frameshift variant. On other transcripts: 5 prime UTR variant (2), intron variant (1).
Genome position (GRCh38, 1-based): chr22:28,725,098, A deleted on the plus strand (T on the coding strand, the reverse complement: CHEK2 is on the minus strand); the first of 2 consecutive A bases (chr22:28,725,098-28,725,099); deleting either gives the same sequence. VCF-style (leftmost placement, unchanged base first): chr22-28725097-CA-C. GRCh37 (hg19) VCF-style: chr22-29121085-CA-C.
Other names: c.600del, p.Ile200fs (NM_001005735.3, NM_001438294.1); c.-307del (NM_001257387.3); c.-193del (NM_001437942.1); c.564del, p.Ile188fs (NM_001438293.1, NM_001438295.1); c.471del, p.Ile157fs (NM_145862.3); c.444+145del (NM_001349956.3); short protein forms I157fs, I200fs, I188fs.
Identifiers: ClinVar variation 1069315 (VCV001069315.8), dbSNP rs2146061160, ClinGen allele CA2499226097.

ClinVar aggregate classification (germline): Pathogenic (1 of 4 stars; one submission).

Conditions:
Familial cancer of breast. Also called: hereditary breast carcinoma; BREAST CANCER, FAMILIAL; Hereditary breast cancer. Identifiers: Orphanet 227535, MedGen C0346153, MONDO:0016419, OMIM 114480. Disease mechanism: loss of function.

Submission:

Labcorp Genetics (formerly Invitae), Labcorp
Classification: Pathogenic for Familial cancer of breast. Last evaluated: 2020-09-15. Review status: criteria provided, single submitter. Criteria: Invitae Variant Classification Sherloc (09022015). Collection method: clinical testing. Allele origin: germline.
Comment: For these reasons, this variant has been classified as Pathogenic. Loss-of-function variants in CHEK2 are known to be pathogenic (PMID: 21876083, 24713400). This variant has not been reported in the literature in individuals with CHEK2-related conditions. This variant is not present in population databases (ExAC no frequency). This sequence change creates a premature translational stop signal (p.Ile157Metfs*4) in the CHEK2 gene. It is expected to result in an absent or disrupted protein product.

Literature cited by the submitters: PubMed 21876083; PubMed 24713400.